The following is an entry in ClinVar:

ClinVar aggregate classification (germline): Benign/Likely benign. Review status: criteria provided, multiple submitters, no conflicts (2 of 4 stars). 3 submissions from 3 submitters: Benign (1); Likely benign (2). Last evaluated 2025-08-03.

Conditions:
Hereditary cancer-predisposing syndrome. Also called: Tumor predisposition; Neoplastic Syndromes, Hereditary; Hereditary neoplastic syndrome; Hereditary Cancer Syndrome. Identifiers: Orphanet 140162, MedGen C0027672, MeSH D009386, MONDO:0015356.
Renal cell carcinoma. Identifiers: Orphanet 217071, MedGen C0007134, MeSH D002292, MONDO:0005086, HP:0005584.
Papillary renal cell carcinoma type 1 (RCCP1). Also called: RENAL CELL CARCINOMA, PAPILLARY, 1, SOMATIC; Renal adenocarcinoma; Renal cell carcinoma 1; Renal cell carcinoma, somatic. Identifiers: Orphanet 47044, MedGen C1336839, OMIM 605074, HP:0011797.

Allele frequency attached by ClinVar (database versions not stated): TOPMed below 0.00001.
gnomAD v4.1: 2 of 1,614,046 alleles (0.00012%); highest among the groups gnomAD compares: Non-Finnish European, 0.00017%; no homozygotes.

Submissions (3):

Labcorp Genetics (formerly Invitae), Labcorp
Classification: Likely benign for Renal cell carcinoma. Last evaluated: 2025-08-03. Review status: criteria provided, single submitter. Criteria: Invitae Variant Classification Sherloc (09022015). Collection method: clinical testing. Allele origin: germline.

Myriad Genetics, Inc.
Classification: Benign for Papillary renal cell carcinoma type 1. Last evaluated: 2024-11-06. Review status: criteria provided, single submitter. Criteria: Myriad Autosomal Dominant, Autosomal Recessive and X-Linked Classification Criteria (2023). Collection method: clinical testing. Allele origin: unknown.
Comment: This variant is considered benign. This variant is a silent/synonymous amino acid change and it is not expected to impact splicing.

Ambry Genetics
Classification: Likely benign for Hereditary cancer-predisposing syndrome. Last evaluated: 2020-03-24. Review status: criteria provided, single submitter. Criteria: Ambry Variant Classification Scheme 2023. Collection method: clinical testing. Allele origin: germline.

NM_000245.4(MET):c.249G>A (p.Glu83=)

Gene: MET (MET proto-oncogene, receptor tyrosine kinase; plus strand). Cytogenetic location: 7q31.2.
Variant type: single nucleotide variant.
Coding change: c.249G>A on transcript NM_000245.4 (MANE Select); coding-DNA position 249, G replaced by A.
Protein change: p.Glu83=; no amino-acid change (glutamic acid 83 retained).
Molecular consequence: synonymous variant. On other transcripts: intron variant (1).
Genome position (GRCh38, 1-based): chr7:116,699,333, G>A. VCF-style: chr7-116699333-G-A. GRCh37 (hg19) VCF-style: chr7-116339387-G-A.
Other names: c.249G>A, p.Glu83= (NM_001127500.3, NM_001324401.3); c.-91+26756G>A (NM_001324402.2).
Identifiers: ClinVar variation 416941 (VCV000416941.14), dbSNP rs751158831, ClinGen allele CA16612133.